The following is an entry in ClinVar:

NM_023036.6(DNAI2):c.1786G>A (p.Gly596Arg)

Gene: DNAI2 (dynein axonemal intermediate chain 2; plus strand). Cytogenetic location: 17q25.1.
Variant type: single nucleotide variant.
Coding change: c.1786G>A on transcript NM_023036.6 (MANE Select); coding-DNA position 1786, G replaced by A.
Protein change: p.Gly596Arg; replaces glycine 596 with arginine.
Molecular consequence: missense variant. On other transcripts: non-coding transcript variant (1).
Genome position (GRCh38, 1-based): chr17:74,314,184, G>A. VCF-style: chr17-74314184-G-A. GRCh37 (hg19) VCF-style: chr17-72310323-G-A.
Other names: c.1750G>A, p.Gly584Arg (NM_001172810.3); c.1918G>A, p.Gly640Arg (NM_001353167.2); short protein forms G584R, G596R, G640R.
Identifiers: ClinVar variation 1057009 (VCV001057009.8), dbSNP rs1486049035, ClinGen allele CA400914722.

ClinVar aggregate classification (germline): Uncertain significance. Review status: criteria provided, single submitter (1 of 4 stars). 2 submissions from 2 submitters: Uncertain significance (1). 1 of the submissions does not count toward it. Last evaluated 2024-10-22.

Conditions:
Primary ciliary dyskinesia. Also called: Ciliary dyskinesia. Identifiers: Orphanet 244, MedGen C0008780, MONDO:0016575, HP:0012265.

Allele frequency attached by ClinVar (database versions not stated): gnomAD exomes below 0.00001.
gnomAD v4.1: 2 of 1,614,206 alleles (0.00012%); highest among the groups gnomAD compares: South Asian, 0.0011%; no homozygotes.

Submissions (2):

Labcorp Genetics (formerly Invitae), Labcorp
Classification: Uncertain significance for Primary ciliary dyskinesia. Last evaluated: 2024-10-22. Review status: criteria provided, single submitter. Criteria: Invitae Variant Classification Sherloc (09022015). Collection method: clinical testing. Allele origin: germline.
Comment: This sequence change replaces glycine, which is neutral and non-polar, with arginine, which is basic and polar, at codon 596 of the DNAI2 protein (p.Gly596Arg). This variant is present in population databases (no rsID available, gnomAD 0.003%). This variant has not been reported in the literature in individuals affected with DNAI2-related conditions. ClinVar contains an entry for this variant (Variation ID: 1057009). Invitae Evidence Modeling of protein sequence and biophysical properties (such as structural, functional, and spatial information, amino acid conservation, physicochemical variation, residue mobility, and thermodynamic stability) indicates that this missense variant is not expected to disrupt DNAI2 protein function with a negative predictive value of 95%. In summary, the available evidence is currently insufficient to determine the role of this variant in disease. Therefore, it has been classified as a Variant of Uncertain Significance.

Natera, Inc.
Classification: Uncertain significance for Primary ciliary dyskinesia. Last evaluated: 2020-06-21. Review status: no assertion criteria provided. Collection method: clinical testing. Allele origin: germline. Not counted in ClinVar's aggregate classification.